The following is an entry in ClinVar:

ClinVar aggregate classification (germline): Pathogenic/Likely pathogenic. Review status: criteria provided, multiple submitters, no conflicts (2 of 4 stars). 4 submissions from 4 submitters: Pathogenic (2); Likely pathogenic (1). 1 of the submissions does not count toward it. Last evaluated 2025-07-21.

Conditions:
ATP7B-related disorder. Also called: ATP7B-related condition.
Wilson disease (WND). Also called: Wilson's disease. Identifiers: Orphanet 905, MedGen C0019202, MONDO:0010200, OMIM 277900. Disease mechanism: loss of function.

Submissions (4):

Natera, Inc.
Classification: Likely pathogenic for Wilson disease. Last evaluated: 2025-07-21. Review status: criteria provided, single submitter. Criteria: Natera Variant Classification Schema (03/2026). Collection method: clinical testing. Allele origin: germline.
Comment: The c.2395C>T variant in ATP7B is a nonsense variant predicted to introduce a stop codon at amino acid 799. This variant is expected to result in nonsense mediated decay, truncation, or a dysfunctional protein product. This variant is rare in the general population with a frequency below the threshold expected for the associated phenotype(s). Given the available evidence, this variant is classified as Likely Pathogenic.

Labcorp Genetics (formerly Invitae), Labcorp
Classification: Pathogenic for Wilson disease. Last evaluated: 2024-05-22. Review status: criteria provided, single submitter. Criteria: Invitae Variant Classification Sherloc (09022015). Collection method: clinical testing. Allele origin: germline.
Comment: This sequence change creates a premature translational stop signal (p.Gln799*) in the ATP7B gene. It is expected to result in an absent or disrupted protein product. Loss-of-function variants in ATP7B are known to be pathogenic (PMID: 10441329, 16283883). This variant is not present in population databases (gnomAD no frequency). This variant has not been reported in the literature in individuals affected with ATP7B-related conditions. For these reasons, this variant has been classified as Pathogenic.

Clinical Genetics Service, Universitary Hospital 12 de Octubre
Classification: Pathogenic for Wilson disease. Review status: criteria provided, single submitter. Criteria: ACMG Guidelines, 2015. Collection method: clinical testing. Allele origin: maternal. Affected: yes.

PreventionGenetics, part of Exact Sciences
Classification: Pathogenic for ATP7B-related condition. Last evaluated: 2024-06-24. Review status: no assertion criteria provided. Collection method: clinical testing. Allele origin: germline. Not counted in ClinVar's aggregate classification.
Comment: The ATP7B c.2395C>T variant is predicted to result in premature protein termination (p.Gln799*). To our knowledge, this variant has not been reported in the literature or in a large population database, indicating this variant is rare. Nonsense variants in ATP7B are expected to be pathogenic. This variant is interpreted as pathogenic.

Literature cited by the submitters: PubMed 10441329 (cited by Labcorp Genetics (formerly Invitae), Labcorp); PubMed 16283883 (cited by Labcorp Genetics (formerly Invitae), Labcorp).

NM_000053.4(ATP7B):c.2395C>T (p.Gln799Ter)

Gene: ATP7B (ATPase copper transporting beta; minus strand). Cytogenetic location: 13q14.3.
Variant type: single nucleotide variant.
Coding change: c.2395C>T on transcript NM_000053.4 (MANE Select); coding-DNA position 2395, C replaced by T.
Protein change: p.Gln799Ter; replaces glutamine 799 with a stop codon.
Molecular consequence: nonsense. On other transcripts: intron variant (1).
Genome position (GRCh38, 1-based): chr13:51,957,568, G>A on the plus strand (C>T on the coding strand, the complement: ATP7B is on the minus strand). VCF-style: chr13-51957568-G-A. GRCh37 (hg19) VCF-style: chr13-52531704-G-A.
Other names: c.1909C>T, p.Gln637Ter (NM_001005918.3, NM_001406546.1, NM_001406541.1 and 1 more transcripts); c.2062C>T, p.Gln688Ter (NM_001243182.2); c.2161C>T, p.Gln721Ter (NM_001330578.2, NM_001406527.1, NM_001406528.1 and 2 more transcripts); c.2143C>T, p.Gln715Ter (NM_001330579.2, NM_001406531.1, NM_001406532.1 and 1 more transcripts); c.2395C>T, p.Gln799Ter (NM_001406511.1, NM_001406523.1, NM_001406525.1 and 7 more transcripts); c.2251C>T, p.Gln751Ter (NM_001406522.1, NM_001406520.1, NM_001406521.1 and 1 more transcripts); c.2218C>T, p.Gln740Ter (NM_001406524.1); c.2155C>T, p.Gln719Ter (NM_001406530.1); and 8 more; short protein forms Q583*, Q605*, Q637*, Q656*, Q683*, Q688*, Q689*, Q715*.
Identifiers: ClinVar variation 3345474 (VCV003345474.5).